The following is an entry in ClinVar:

NM_002633.3(PGM1):c.-49C>G

Genes: PGM1 (phosphoglucomutase 1; plus strand), LOC129930668 (ATAC-STARR-seq lymphoblastoid active region 1127; plus strand). Cytogenetic location: 1p31.3.
Variant type: single nucleotide variant.
Coding change: c.-49C>G on transcript NM_002633.3 (MANE Select); 49 bases upstream of the start codon, C replaced by G.
Molecular consequence: 5 prime UTR variant.
Genome position (GRCh38, 1-based): chr1:63,593,440, C>G. VCF-style: chr1-63593440-C-G. GRCh37 (hg19) VCF-style: chr1-64059111-C-G.
Identifiers: ClinVar variation 510436 (VCV000510436.1), dbSNP rs551310804, ClinGen allele CA889315.

ClinVar aggregate classification (germline): Likely benign (1 of 4 stars; one submission).

Allele frequency attached by ClinVar (database versions not stated): ExAC 0.00093; 1000 Genomes Project 0.00100; 1000 Genomes Project 30x 0.00109; TOPMed 0.00001; gnomAD exomes 0.00029 and 0.00079.
gnomAD v4.1: 459 of 1,611,498 alleles (0.028%); highest among the groups gnomAD compares: South Asian, 0.47%; 3 homozygotes.

Submission:

GeneDx
Classification: Likely benign. Last evaluated: 2018-02-06. Review status: criteria provided, single submitter. Criteria: GeneDx Variant Classification (06012015). Collection method: clinical testing. Allele origin: germline. Affected: yes.
Comment: This variant is considered likely benign or benign based on one or more of the following criteria: it is a conservative change, it occurs at a poorly conserved position in the protein, it is predicted to be benign by multiple in silico algorithms, and/or has population frequency not consistent with disease.